The following is an entry in ClinVar:

ClinVar aggregate classification (germline): Likely pathogenic (0 of 4 stars; one submission).

Conditions:
DNAH11-related disorder. Also called: DNAH11-related condition.

gnomAD v4.1: 3 of 1,541,152 alleles (0.00019%); highest among the groups gnomAD compares: Non-Finnish European, 0.00026%; no homozygotes.

Submission:

PreventionGenetics, part of Exact Sciences
Classification: Likely pathogenic for DNAH11-related condition. Last evaluated: 2024-08-02. Review status: no assertion criteria provided. Collection method: clinical testing. Allele origin: germline.
Comment: The DNAH11 c.31C>T variant is predicted to result in premature protein termination (p.Arg11*). To our knowledge, this variant has not been reported in the literature or in a large population database, indicating this variant is rare. Nonsense variants in DNAH11 are expected to be pathogenic. This variant is interpreted as likely pathogenic.

NM_001277115.2(DNAH11):c.31C>T (p.Arg11Ter)

Gene: DNAH11 (dynein axonemal heavy chain 11; plus strand). Cytogenetic location: 7p15.3.
Variant type: single nucleotide variant.
Coding change: c.31C>T on transcript NM_001277115.2 (MANE Select); coding-DNA position 31, C replaced by T.
Protein change: p.Arg11Ter; replaces arginine 11 with a stop codon.
Molecular consequence: nonsense.
Genome position (GRCh38, 1-based): chr7:21,543,276, C>T. VCF-style: chr7-21543276-C-T. GRCh37 (hg19) VCF-style: chr7-21582894-C-T.
Other names: short protein forms R11*.
Identifiers: ClinVar variation 3355200 (VCV003355200.1).